The following is an entry in ClinVar:

NM_000553.6(WRN):c.3890C>T (p.Ala1297Val)

Gene: WRN (WRN RecQ like helicase; plus strand). Cytogenetic location: 8p12.
Variant type: single nucleotide variant.
Coding change: c.3890C>T on transcript NM_000553.6 (MANE Select); coding-DNA position 3890, C replaced by T.
Protein change: p.Ala1297Val; replaces alanine 1297 with valine.
Molecular consequence: missense variant.
Genome position (GRCh38, 1-based): chr8:31,157,438, C>T. VCF-style: chr8-31157438-C-T. GRCh37 (hg19) VCF-style: chr8-31014954-C-T.
Other names: c.3890C>T (NM_000553.4); short protein forms A1297V.
Identifiers: ClinVar variation 1041863 (VCV001041863.6), dbSNP rs1434549591, ClinGen allele CA370929425.

ClinVar aggregate classification (germline): Uncertain significance. Review status: criteria provided, multiple submitters, no conflicts (2 of 4 stars). 2 submissions from 2 submitters: Uncertain significance (2). Last evaluated 2026-01-20.

Conditions:
Inborn genetic diseases. Identifiers: MedGen C0950123, MeSH D030342.
Werner syndrome (WRN). Identifiers: Orphanet 902, MedGen C0043119, MONDO:0010196, OMIM 277700.

Allele frequency attached by ClinVar (database versions not stated): TOPMed below 0.00001.
gnomAD v4.1: 1 of 1,614,136 alleles (0.000062%); no homozygotes.

Submissions (2):

Labcorp Genetics (formerly Invitae), Labcorp
Classification: Uncertain significance for Werner syndrome. Last evaluated: 2026-01-20. Review status: criteria provided, single submitter. Criteria: Invitae Variant Classification Sherloc (09022015). Collection method: clinical testing. Allele origin: germline.
Comment: This sequence change replaces alanine, which is neutral and non-polar, with valine, which is neutral and non-polar, at codon 1297 of the WRN protein (p.Ala1297Val). This variant is not present in population databases (gnomAD no frequency). This variant has not been reported in the literature in individuals affected with WRN-related conditions. ClinVar contains an entry for this variant (Variation ID: 1041863). An algorithm developed to predict the effect of missense changes on protein structure and function (PolyPhen-2) suggests that this variant is likely to be disruptive. In summary, the available evidence is currently insufficient to determine the role of this variant in disease. Therefore, it has been classified as a Variant of Uncertain Significance.

Ambry Genetics
Classification: Uncertain significance for Inborn genetic diseases. Last evaluated: 2025-04-18. Review status: criteria provided, single submitter. Criteria: Ambry Variant Classification Scheme 2023. Collection method: clinical testing. Allele origin: germline.